The following is an entry in ClinVar:

NM_000179.3(MSH6):c.955dup (p.Thr319fs)

Gene: MSH6 (mutS homolog 6; plus strand). Cytogenetic location: 2p16.3.
Variant type: Duplication.
Coding change: c.955dup on transcript NM_000179.3 (MANE Select); coding-DNA position 955, one base duplicated (A; older notation c.955dupA).
Protein change: p.Thr319fs; shifts the reading frame from threonine 319.
Molecular consequence: frameshift variant.
Genome position (GRCh38, 1-based): chr2:47,798,938, A duplicated; the last of 3 consecutive A bases (chr2:47,798,936-47,798,938); duplicating any one gives the same sequence. VCF-style (leftmost placement, unchanged base first): chr2-47798935-G-GA. GRCh37 (hg19) VCF-style: chr2-48026074-G-GA.
Other names: c.565dup, p.Thr189fs (NM_001281492.2); c.49dup, p.Thr17fs (NM_001281493.2, NM_001281494.2); c.1051dup, p.Thr351Asnfs (NM_001406795.1, NM_001406802.1); c.955dup, p.Thr319Asnfs (NM_001406796.1, NM_001406798.1, NM_001406800.1 and 4 more transcripts); c.658dup, p.Thr220Asnfs (NM_001406797.1, NM_001406801.1, NM_001406805.1 and 10 more transcripts); c.430dup, p.Thr144Asnfs (NM_001406799.1, NM_001406806.1, NM_001406807.1); c.877dup, p.Thr293Asnfs (NM_001406804.1); c.49dup, p.Thr17Asnfs (NM_001406811.1, NM_001406812.1, NM_001406814.1 and 4 more transcripts); and 3 more; short protein forms T17fs, T189fs, T319fs.
Identifiers: ClinVar variation 1767382 (VCV001767382.2), dbSNP rs2530580445, ClinGen allele CA2580067274.

ClinVar aggregate classification (germline): Pathogenic (1 of 4 stars; one submission).

Conditions:
Hereditary cancer-predisposing syndrome. Also called: Hereditary Cancer Syndrome; Hereditary neoplastic syndrome; Neoplastic Syndromes, Hereditary; Tumor predisposition. Identifiers: Orphanet 140162, MedGen C0027672, MeSH D009386, MONDO:0015356.

Submission:

Ambry Genetics
Classification: Pathogenic for Hereditary cancer-predisposing syndrome. Last evaluated: 2019-07-08. Review status: criteria provided, single submitter. Criteria: Ambry Variant Classification Scheme 2023. Collection method: clinical testing. Allele origin: germline.
Comment: The c.955dupA pathogenic mutation, located in coding exon 4 of the MSH6 gene, results from a duplication of A at nucleotide position 955, causing a translational frameshift with a predicted alternate stop codon (p.T319N*10). This alteration is expected to result in loss of function by premature protein truncation or nonsense-mediated mRNA decay. As such, this alteration is interpreted as a disease-causing mutation.